The following is an entry in ClinVar:

ClinVar aggregate classification (germline): Uncertain significance (1 of 4 stars; one submission).

Conditions:
Ehlers-Danlos syndrome, dermatosparaxis type. Also called: Dermatosparaxis; Ehlers-Danlos syndrome, type VII, autosomal recessive; EDS VIIC. Identifiers: Orphanet 1901, MedGen C2700425, MONDO:0009161, OMIM 225410.

Submission:

Labcorp Genetics (formerly Invitae), Labcorp
Classification: Uncertain significance for Ehlers-Danlos syndrome, dermatosparaxis type. Last evaluated: 2024-02-24. Review status: criteria provided, single submitter. Criteria: Invitae Variant Classification Sherloc (09022015). Collection method: clinical testing. Allele origin: germline.
Comment: This sequence change replaces aspartic acid, which is acidic and polar, with glutamic acid, which is acidic and polar, at codon 684 of the ADAMTS2 protein (p.Asp684Glu). This variant is not present in population databases (gnomAD no frequency). This variant has not been reported in the literature in individuals affected with ADAMTS2-related conditions. ClinVar contains an entry for this variant (Variation ID: 2151501). An algorithm developed to predict the effect of missense changes on protein structure and function (PolyPhen-2) suggests that this variant is likely to be disruptive. In summary, the available evidence is currently insufficient to determine the role of this variant in disease. Therefore, it has been classified as a Variant of Uncertain Significance.

NM_014244.5(ADAMTS2):c.2052C>G (p.Asp684Glu)

Gene: ADAMTS2 (ADAM metallopeptidase with thrombospondin type 1 motif 2; minus strand). Cytogenetic location: 5q35.3.
Variant type: single nucleotide variant.
Coding change: c.2052C>G on transcript NM_014244.5 (MANE Select); coding-DNA position 2052, C replaced by G.
Protein change: p.Asp684Glu; replaces aspartic acid 684 with glutamic acid.
Molecular consequence: missense variant.
Genome position (GRCh38, 1-based): chr5:179,135,942, G>C on the plus strand (C>G on the coding strand, the complement: ADAMTS2 is on the minus strand). VCF-style: chr5-179135942-G-C. GRCh37 (hg19) VCF-style: chr5-178562943-G-C.
Other names: short protein forms D684E.
Identifiers: ClinVar variation 2151501 (VCV002151501.3), dbSNP rs370799965, ClinGen allele CA362425610.